The following is an entry in ClinVar:

NM_001270.4(CHD1):c.2227G>T (p.Gly743Cys)

Gene: CHD1 (chromodomain helicase DNA binding protein 1; minus strand). Cytogenetic location: 5q15.
Variant type: single nucleotide variant.
Coding change: c.2227G>T on transcript NM_001270.4 (MANE Select); coding-DNA position 2227, G replaced by T.
Protein change: p.Gly743Cys; replaces glycine 743 with cysteine.
Molecular consequence: missense variant. On other transcripts: non-coding transcript variant (2).
Genome position (GRCh38, 1-based): chr5:98,889,192, C>A on the plus strand (G>T on the coding strand, the complement: CHD1 is on the minus strand). VCF-style: chr5-98889192-C-A. GRCh37 (hg19) VCF-style: chr5-98224896-C-A.
Other names: c.2227G>T, p.Gly743Cys (NM_001364113.3, NM_001376194.2); short protein forms G743C.
Identifiers: ClinVar variation 3906535 (VCV003906535.2).

ClinVar aggregate classification (germline): Uncertain significance (1 of 4 stars; one submission).

Submission:

GeneDx
Classification: Uncertain significance. Last evaluated: 2026-09-18. Review status: criteria provided, single submitter. Criteria: GeneDx Variant Classification Process June 2021. Collection method: clinical testing. Allele origin: germline.
Comment: Not observed at significant frequency in large population cohorts (gnomAD); In silico analysis supports that this missense variant has a deleterious effect on protein structure/function; Has not been previously published as pathogenic or benign to our knowledge